The following is an entry in ClinVar:

NM_021870.3(FGG):c.770A>C (p.Glu257Ala)

Gene: FGG (fibrinogen gamma chain; minus strand). Cytogenetic location: 4q32.1.
Variant type: single nucleotide variant.
Coding change: c.770A>C on transcript NM_021870.3 (MANE Select); coding-DNA position 770, A replaced by C.
Protein change: p.Glu257Ala; replaces glutamic acid 257 with alanine.
Molecular consequence: missense variant.
Genome position (GRCh38, 1-based): chr4:154,608,547, T>G on the plus strand (A>C on the coding strand, the complement: FGG is on the minus strand). VCF-style: chr4-154608547-T-G. GRCh37 (hg19) VCF-style: chr4-155529699-T-G.
Other names: c.770A>C, p.Glu257Ala (NM_000509.6); short protein forms E257A.
Identifiers: ClinVar variation 2900698 (VCV002900698.3), dbSNP rs757602733, ClinGen allele CA3115553.

ClinVar aggregate classification (germline): Uncertain significance (1 of 4 stars; one submission).

Allele frequency attached by ClinVar (database versions not stated): ExAC 0.00001; gnomAD 0.00001; gnomAD exomes 0.00003; TOPMed 0.00003.
gnomAD v4.1: 41 of 1,613,742 alleles (0.0025%); highest among the groups gnomAD compares: Middle Eastern, 0.016%; no homozygotes.

Submission:

Labcorp Genetics (formerly Invitae), Labcorp
Classification: Uncertain significance. Last evaluated: 2024-06-29. Review status: criteria provided, single submitter. Criteria: Invitae Variant Classification Sherloc (09022015). Collection method: clinical testing. Allele origin: germline.
Comment: This sequence change replaces glutamic acid, which is acidic and polar, with alanine, which is neutral and non-polar, at codon 257 of the FGG protein (p.Glu257Ala). This variant is present in population databases (rs757602733, gnomAD 0.003%). This variant has not been reported in the literature in individuals affected with FGG-related conditions. Advanced modeling of protein sequence and biophysical properties (such as structural, functional, and spatial information, amino acid conservation, physicochemical variation, residue mobility, and thermodynamic stability) performed at Invitae indicates that this missense variant is expected to disrupt FGG protein function with a positive predictive value of 80%. In summary, the available evidence is currently insufficient to determine the role of this variant in disease. Therefore, it has been classified as a Variant of Uncertain Significance.